The following is an entry in ClinVar:

ClinVar aggregate classification (germline): Pathogenic/Likely pathogenic. Review status: criteria provided, multiple submitters, no conflicts (2 of 4 stars). 3 submissions from 3 submitters: Pathogenic (2); Likely pathogenic (1). Last evaluated 2025-12-02.

Conditions:
Myopathy, proximal, and ophthalmoplegia (CMYO6). Also called: INCLUSION BODY MYOPATHY 3, AUTOSOMAL DOMINANT; MYOPATHY WITH CONGENITAL JOINT CONTRACTURES, OPHTHALMOPLEGIA, AND RIMMED VACUOLES; CONGENITAL MYOPATHY 6 WITH OPHTHALMOPLEGIA. Identifiers: Orphanet 363677, Orphanet 79091, MedGen C1854106, MONDO:0011577, OMIM 605637.

Allele frequency attached by ClinVar (database versions not stated): gnomAD 0.00002; TOPMed 0.00002.
gnomAD v4.1: 68 of 1,614,070 alleles (0.0042%); highest among the groups gnomAD compares: Non-Finnish European, 0.0055%; no homozygotes.

Submissions (3):

Labcorp Genetics (formerly Invitae), Labcorp
Classification: Pathogenic for Myopathy, proximal, and ophthalmoplegia. Last evaluated: 2025-12-02. Review status: criteria provided, single submitter. Criteria: Invitae Variant Classification Sherloc (09022015). Collection method: clinical testing. Allele origin: germline.
Comment: This sequence change creates a premature translational stop signal (p.Gln1111*) in the MYH2 gene. It is expected to result in an absent or disrupted protein product. Loss-of-function variants in MYH2 are known to be pathogenic (PMID: 20418530, 23388406, 24193343). This variant is present in population databases (rs758264018, gnomAD 0.0009%). This variant has not been reported in the literature in individuals affected with MYH2-related conditions. ClinVar contains an entry for this variant (Variation ID: 465936). For these reasons, this variant has been classified as Pathogenic.

GeneDx
Classification: Likely pathogenic. Last evaluated: 2024-12-12. Review status: criteria provided, single submitter. Criteria: GeneDx Variant Classification Process June 2021. Collection method: clinical testing. Allele origin: germline. Affected: yes.
Comment: Reported previously in a patient with limitations of range of eye movements, shoulder muscle weakness, muscle atrophy, waddling gait, abnormal muscle biopsy, and elevated CK, who also harbored a second variant (PMID: 33926564); Nonsense variant predicted to result in protein truncation or nonsense mediated decay in a gene for which loss of function is a known mechanism of disease; Not observed at significant frequency in large population cohorts (gnomAD); This variant is associated with the following publications: (PMID: 31321302, 33926564)

CeGaT Center for Human Genetics Tuebingen
Classification: Pathogenic. Last evaluated: 2023-08-01. Review status: criteria provided, single submitter. Criteria: CeGaT Center For Human Genetics Tuebingen Variant Classification Criteria Version 2. Collection method: clinical testing. Allele origin: germline. Affected: yes. Observed: 2 variant alleles.
Comment: MYH2: PVS1, PM2

Literature cited by the submitters: PubMed 20418530 (cited by Labcorp Genetics (formerly Invitae), Labcorp); PubMed 23388406 (cited by Labcorp Genetics (formerly Invitae), Labcorp); PubMed 24193343 (cited by Labcorp Genetics (formerly Invitae), Labcorp).

NM_017534.6(MYH2):c.3331C>T (p.Gln1111Ter)

Genes: MYH2 (myosin heavy chain 2; minus strand), MYHAS (myosin heavy chain gene cluster antisense RNA; plus strand). Cytogenetic location: 17p13.1.
Variant type: single nucleotide variant.
Coding change: c.3331C>T on transcript NM_017534.6 (MANE Select); coding-DNA position 3331, C replaced by T.
Protein change: p.Gln1111Ter; replaces glutamine 1111 with a stop codon.
Molecular consequence: nonsense.
Genome position (GRCh38, 1-based): chr17:10,529,185, G>A on the plus strand (C>T on the coding strand, the complement: MYH2 is on the minus strand). VCF-style: chr17-10529185-G-A. GRCh37 (hg19) VCF-style: chr17-10432502-G-A.
Other names: c.3331C>T, p.Gln1111Ter (NM_001100112.2); short protein forms Q1111*.
Identifiers: ClinVar variation 465936 (VCV000465936.40), dbSNP rs758264018, ClinGen allele CA8390941.